The following is an entry in ClinVar:

ClinVar aggregate classification (germline): Pathogenic (1 of 4 stars; one submission).

Conditions:
Familial cancer of breast. Also called: BREAST CANCER, FAMILIAL; hereditary breast carcinoma; Hereditary breast cancer. Identifiers: Orphanet 227535, MedGen C0346153, MONDO:0016419, OMIM 114480. Disease mechanism: loss of function.

Submission:

Labcorp Genetics (formerly Invitae), Labcorp
Classification: Pathogenic for Hereditary Breast Carcinoma. Last evaluated: 2019-05-15. Review status: criteria provided, single submitter. Criteria: Invitae Variant Classification Sherloc (09022015). Collection method: clinical testing. Allele origin: germline.
Comment: This variant is a gross deletion of the genomic region encompassing exons 8-11 of the BARD1 gene. The 5' boundary is likely confined to intron 7. The 3' end of this event is unknown as it extends through the termination codon beyond the assayed region for this gene and may encompass additional genes. While this deletion is not anticipated to result in nonsense mediated decay, it is expected to create a truncated protein product or disrupt mRNA translation. This variant has not been reported in the literature in individuals with BARD1-related disease. Deletion of exons 8-11 removes the C-terminal BRCT domains of the BARD1 protein. Experimental studies have shown that the BRCT domains are required for BARD1 homology-directed repair activity and the maintenance of chromosomal stability in vitro (PMID: 17848578). For these reasons, this variant has been classified as Pathogenic.

Literature cited by the submitters: PubMed 17848578.

NC_000002.12:g.(?_214728666)_(214745864_?)del

Genes: BARD1 (BRCA1 associated RING domain 1; minus strand), LOC129935541 (ATAC-STARR-seq lymphoblastoid active region 17071; plus strand), LOC129935540 (ATAC-STARR-seq lymphoblastoid active region 17070; plus strand). Cytogenetic location: 2q35.
Variant type: Deletion.
Identifiers: ClinVar variation 665652 (VCV000665652.3).